The following is an entry in ClinVar:

ClinVar aggregate classification (germline): Uncertain significance (1 of 4 stars; one submission).

Conditions:
Angelman syndrome (AS). Also called: HAPPY PUPPET SYNDROME. Identifiers: Orphanet 72, MedGen C0162635, MONDO:0007113, OMIM 105830. Disease mechanism: loss of function. Inheritance: AS is caused by disruption of maternally imprinted UBE3A located within the 15q11.2-q13 Angelman syndrome/Prader-Willi syndrome (AS/PWS) region., imprinting disorder.

Submission:

Labcorp Genetics (formerly Invitae), Labcorp
Classification: Uncertain significance for Angelman syndrome. Last evaluated: 2022-12-16. Review status: criteria provided, single submitter. Criteria: Invitae Variant Classification Sherloc (09022015). Collection method: clinical testing. Allele origin: germline.
Comment: This sequence change replaces threonine, which is neutral and polar, with alanine, which is neutral and non-polar, at codon 816 of the UBE3A protein (p.Thr816Ala). This variant is not present in population databases (gnomAD no frequency). In summary, the available evidence is currently insufficient to determine the role of this variant in disease. Therefore, it has been classified as a Variant of Uncertain Significance. Advanced modeling of protein sequence and biophysical properties (such as structural, functional, and spatial information, amino acid conservation, physicochemical variation, residue mobility, and thermodynamic stability) performed at Invitae indicates that this missense variant is expected to disrupt UBE3A protein function. This variant has not been reported in the literature in individuals affected with UBE3A-related conditions.

NM_130839.5(UBE3A):c.2506A>G (p.Thr836Ala)

Genes: SNHG14 (small nucleolar RNA host gene 14; plus strand), UBE3A (ubiquitin protein ligase E3A; minus strand). Cytogenetic location: 15q11.2.
Variant type: single nucleotide variant.
Coding change: c.2506A>G on transcript NM_130839.5 (MANE Select); coding-DNA position 2506, A replaced by G.
Protein change: p.Thr836Ala; replaces threonine 836 with alanine.
Molecular consequence: missense variant. On other transcripts: non-coding transcript variant (1).
Genome position (GRCh38, 1-based): chr15:25,339,250, T>C on the plus strand (A>G on the coding strand, the complement: UBE3A is on the minus strand). VCF-style: chr15-25339250-T-C. GRCh37 (hg19) VCF-style: chr15-25584397-T-C.
Other names: c.2515A>G, p.Thr839Ala (NM_000462.5); c.2506A>G, p.Thr836Ala (NM_001354505.1, NM_001354538.2); c.2446A>G, p.Thr816Ala (NM_001354506.2, NM_001354507.2, NM_001354508.2 and 14 more transcripts); c.2350A>G, p.Thr784Ala (NM_001354545.2); c.2329A>G, p.Thr777Ala (NM_001354546.2); c.2290A>G, p.Thr764Ala (NM_001354547.2, NM_001354548.2); c.2281A>G, p.Thr761Ala (NM_001354549.2); c.1255A>G, p.Thr419Ala (NM_001354550.2); and 1 more; short protein forms T399A, T761A, T784A, T764A, T816A, T839A, T419A, T777A.
Identifiers: ClinVar variation 2816277 (VCV002816277.3), dbSNP rs2552181712, ClinGen allele CA391350720.